The following is an entry in ClinVar:

ClinVar aggregate classification (germline): Likely benign (0 of 4 stars; one submission).

Conditions:
ADCY3-related disorder. Also called: ADCY3-related condition.

Submission:

PreventionGenetics, part of Exact Sciences
Classification: Likely benign for ADCY3-related condition. Last evaluated: 2024-02-23. Review status: no assertion criteria provided. Collection method: clinical testing. Allele origin: germline.
Comment: This variant is classified as likely benign based on ACMG/AMP sequence variant interpretation guidelines (Richards et al. 2015 PMID: 25741868, with internal and published modifications).

NM_004036.5(ADCY3):c.1242G>T (p.Gly414=)

Gene: ADCY3 (adenylate cyclase 3; minus strand). Cytogenetic location: 2p23.3.
Variant type: single nucleotide variant.
Coding change: c.1242G>T on transcript NM_004036.5 (MANE Select); coding-DNA position 1242, G replaced by T.
Protein change: p.Gly414=; no amino-acid change (glycine 414 retained).
Molecular consequence: synonymous variant.
Genome position (GRCh38, 1-based): chr2:24,839,986, C>A on the plus strand (G>T on the coding strand, the complement: ADCY3 is on the minus strand). VCF-style: chr2-24839986-C-A. GRCh37 (hg19) VCF-style: chr2-25062855-C-A.
Other names: c.1242G>T, p.Gly414= (NM_001320613.2, NM_001377128.1, NM_001377129.1 and 2 more transcripts); c.519G>T, p.Gly173= (NM_001377131.1).
Identifiers: ClinVar variation 3354617 (VCV003354617.1).